The following is an entry in ClinVar:

ClinVar aggregate classification (germline): Pathogenic (1 of 4 stars; one submission).

Conditions:
Mucopolysaccharidosis type 6 (MPS6). Also called: MPS 6; Maroteaux Lamy syndrome; ARSB DEFICIENCY; ARYLSULFATASE B DEFICIENCY; N-ACETYLGALACTOSAMINE-4-SULFATASE DEFICIENCY; MPS VI. Identifiers: Orphanet 583, MedGen C0026709, MONDO:0009661, OMIM 253200.

Submission:

Labcorp Genetics (formerly Invitae), Labcorp
Classification: Pathogenic for Mucopolysaccharidosis type 6. Last evaluated: 2023-02-08. Review status: criteria provided, single submitter. Criteria: Invitae Variant Classification Sherloc (09022015). Collection method: clinical testing. Allele origin: unknown.
Comment: This variant has not been reported in the literature in individuals affected with ARSB-related conditions. For these reasons, this variant has been classified as Pathogenic. A gross deletion of the genomic region encompassing the full coding sequence of the ARSB gene has been identified. Loss-of-function variants in ARSB are known to be pathogenic (PMID: 17458871, 22133300). The boundaries of this event are unknown as they extend beyond the assayed region for this gene and therefore may encompass additional genes.

Literature cited by the submitters: PubMed 17458871; PubMed 22133300.

NC_000005.9:g.(?_78076220)_(78281071_?)del

Gene: ARSB (arylsulfatase B; minus strand). Cytogenetic location: 5q14.1.
Variant type: Deletion.
Identifiers: ClinVar variation 3246273 (VCV003246273.1).